The following is an entry in ClinVar:

NM_032520.5(GNPTG):c.461C>T (p.Pro154Leu)

Gene: GNPTG (N-acetylglucosamine-1-phosphate transferase subunit gamma; plus strand). Cytogenetic location: 16p13.3.
Variant type: single nucleotide variant.
Coding change: c.461C>T on transcript NM_032520.5 (MANE Select); coding-DNA position 461, C replaced by T.
Protein change: p.Pro154Leu; replaces proline 154 with leucine.
Molecular consequence: missense variant.
Genome position (GRCh38, 1-based): chr16:1,362,255, C>T. VCF-style: chr16-1362255-C-T. GRCh37 (hg19) VCF-style: chr16-1412256-C-T.
Other names: short protein forms P154L.
Identifiers: ClinVar variation 1437857 (VCV001437857.3), dbSNP rs754679713, ClinGen allele CA7807713.

ClinVar aggregate classification (germline): Uncertain significance (1 of 4 stars; one submission).

Allele frequency attached by ClinVar (database versions not stated): gnomAD 0.00001 and 0.00002; TOPMed 0.00001; gnomAD exomes 0.00004; ExAC 0.00005.
gnomAD v4.1: 16 of 1,613,494 alleles (0.00099%); highest among the groups gnomAD compares: Admixed American, 0.0067%; no homozygotes.

Submission:

Labcorp Genetics (formerly Invitae), Labcorp
Classification: Uncertain significance. Last evaluated: 2022-08-02. Review status: criteria provided, single submitter. Criteria: Invitae Variant Classification Sherloc (09022015). Collection method: clinical testing. Allele origin: germline.
Comment: This sequence change replaces proline, which is neutral and non-polar, with leucine, which is neutral and non-polar, at codon 154 of the GNPTG protein (p.Pro154Leu). This variant is present in population databases (rs754679713, gnomAD 0.01%). This variant has not been reported in the literature in individuals affected with GNPTG-related conditions. ClinVar contains an entry for this variant (Variation ID: 1437857). Algorithms developed to predict the effect of missense changes on protein structure and function are either unavailable or do not agree on the potential impact of this missense change (SIFT: "Tolerated"; PolyPhen-2: "Probably Damaging"; Align-GVGD: "Class C0"). In summary, the available evidence is currently insufficient to determine the role of this variant in disease. Therefore, it has been classified as a Variant of Uncertain Significance.